The following is an entry in ClinVar:

NM_025103.4(IFT74):c.368A>G (p.Asn123Ser)

Gene: IFT74 (intraflagellar transport 74; plus strand). Cytogenetic location: 9p21.2.
Variant type: single nucleotide variant.
Coding change: c.368A>G on transcript NM_025103.4 (MANE Select); coding-DNA position 368, A replaced by G.
Protein change: p.Asn123Ser; replaces asparagine 123 with serine.
Molecular consequence: missense variant.
Genome position (GRCh38, 1-based): chr9:26,984,319, A>G. VCF-style: chr9-26984319-A-G. GRCh37 (hg19) VCF-style: chr9-26984317-A-G.
Other names: c.368A>G, p.Asn123Ser (NM_001099222.3, NM_001099223.3, NM_001099224.3 and 1 more transcripts); c.368A>G (NM_025103.2); short protein forms N123S.
Identifiers: ClinVar variation 2396189 (VCV002396189.3), dbSNP rs774514441, ClinGen allele CA5014933.

ClinVar aggregate classification (germline): Uncertain significance. Review status: criteria provided, single submitter (1 of 4 stars). 2 submissions from 2 submitters: Uncertain significance (1). 1 of the submissions does not count toward it. Last evaluated 2022-10-27.

Conditions:
Inborn genetic diseases. Identifiers: MedGen C0950123, MeSH D030342.
IFT74-related disorder. Also called: IFT74-related condition; IFT74-Related Disorders.

Allele frequency attached by ClinVar (database versions not stated): ExAC 0.00001; gnomAD 0.00001; TOPMed 0.00002.
gnomAD v4.1: 17 of 1,583,904 alleles (0.0011%); highest among the groups gnomAD compares: Middle Eastern, 0.1%; no homozygotes.

Submissions (2):

Ambry Genetics
Classification: Uncertain significance for Inborn genetic diseases. Last evaluated: 2022-10-27. Review status: criteria provided, single submitter. Criteria: Ambry Variant Classification Scheme 2023. Collection method: clinical testing. Allele origin: germline.

PreventionGenetics, part of Exact Sciences
Classification: Uncertain significance for IFT74-related condition. Last evaluated: 2024-09-11. Review status: no assertion criteria provided. Collection method: clinical testing. Allele origin: germline. Not counted in ClinVar's aggregate classification.
Comment: The IFT74 c.368A>G variant is predicted to result in the amino acid substitution p.Asn123Ser. To our knowledge, this variant has not been reported in the literature. This variant is reported in 0.021% of alleles in individuals of Ashkenazi Jewish descent in gnomAD. At this time, the clinical significance of this variant is uncertain due to the absence of conclusive functional and genetic evidence.